The following is an entry in ClinVar:

NM_000303.3(PMM2):c.523+5T>C

Gene: PMM2 (phosphomannomutase 2; plus strand). Cytogenetic location: 16p13.2.
Variant type: single nucleotide variant.
Coding change: c.523+5T>C on transcript NM_000303.3 (MANE Select); 5 bases into the intron after coding-DNA position 523, T replaced by C.
Molecular consequence: intron variant.
Genome position (GRCh38, 1-based): chr16:8,811,718, T>C. VCF-style: chr16-8811718-T-C. GRCh37 (hg19) VCF-style: chr16-8905575-T-C.
Identifiers: ClinVar variation 1985967 (VCV001985967.2), dbSNP rs2060679022, ClinGen allele CA2206136031.
Genomic context (GRCh38, chr16:8,811,718, plus strand): 5'-GTTTGTAGCAGATCTACGGAAAGAGTTTGCTGGAAAAGGCCTCACGTTTTCCATAGGTAT[T>C]GTATATATTGCCTGTGTTCCAAACTTGGATACCCATTTCCCAGAGTTTGTTGTGGGCCAG-3'

ClinVar aggregate classification (germline): Uncertain significance. Review status: criteria provided, multiple submitters, no conflicts (2 of 4 stars). 2 submissions from 2 submitters: Uncertain significance (2). Last evaluated 2025-05-22.

Conditions:
PMM2-congenital disorder of glycosylation. Also called: CDG Ia; CARBOHYDRATE-DEFICIENT GLYCOPROTEIN SYNDROME, TYPE Ia; JAEKEN SYNDROME; PHOSPHOMANNOMUTASE 2 DEFICIENCY; PMM2-CDG; Congenital disorder of glycosylation, type Ia. Identifiers: Orphanet 79318, MedGen C0349653, MONDO:0008907, OMIM 212065.

Submissions (2):

Women's Health and Genetics/Laboratory Corporation of America, LabCorp
Classification: Uncertain significance. Last evaluated: 2025-05-22. Review status: criteria provided, single submitter. Criteria: LabCorp Variant Classification Summary - May 2015. Collection method: clinical testing. Allele origin: germline.

Labcorp Genetics (formerly Invitae), Labcorp
Classification: Uncertain significance for PMM2-congenital disorder of glycosylation. Last evaluated: 2021-12-29. Review status: criteria provided, single submitter. Criteria: Invitae Variant Classification Sherloc (09022015). Collection method: clinical testing. Allele origin: germline.
Comment: This sequence change falls in intron 6 of the PMM2 gene. It does not directly change the encoded amino acid sequence of the PMM2 protein. It affects a nucleotide within the consensus splice site. This variant is not present in population databases (gnomAD no frequency). This variant has not been reported in the literature in individuals affected with PMM2-related conditions. Variants that disrupt the consensus splice site are a relatively common cause of aberrant splicing (PMID: 17576681, 9536098). Algorithms developed to predict the effect of sequence changes on RNA splicing suggest that this variant is not likely to affect RNA splicing. In summary, the available evidence is currently insufficient to determine the role of this variant in disease. Therefore, it has been classified as a Variant of Uncertain Significance.

Literature cited by the submitters: PubMed 17576681 (cited by Labcorp Genetics (formerly Invitae), Labcorp); PubMed 9536098 (cited by Labcorp Genetics (formerly Invitae), Labcorp).